The following is an entry in ClinVar:

ClinVar aggregate classification (germline): Benign/Likely benign. Review status: criteria provided, multiple submitters, no conflicts (2 of 4 stars). 4 submissions from 4 submitters: Benign (1); Likely benign (2). 1 of the submissions does not count toward it. Last evaluated 2026-01-26.

Conditions:
CEP250-related disorder. Also called: CEP250-related condition.

Allele frequency attached by ClinVar (database versions not stated): 1000 Genomes Project 0.00120; 1000 Genomes Project 30x 0.00125; ExAC 0.00165; ESP Exome Variant Server 0.00201.
gnomAD v4.1: 680 of 1,564,642 alleles (0.043%); highest among the groups gnomAD compares: African/African-American, 0.63%; 2 homozygotes.

Submissions (4):

Labcorp Genetics (formerly Invitae), Labcorp
Classification: Benign. Last evaluated: 2026-01-26. Review status: criteria provided, single submitter. Criteria: Invitae Variant Classification Sherloc (09022015). Collection method: clinical testing. Allele origin: germline.

CeGaT Center for Human Genetics Tuebingen
Classification: Likely benign. Last evaluated: 2026-01-01. Review status: criteria provided, single submitter. Criteria: CeGaT Center For Human Genetics Tuebingen Variant Classification Criteria Version 2. Collection method: clinical testing. Allele origin: germline. Affected: yes. Observed: 1 variant allele.
Comment: CEP250: BP4, BP7

Blueprint Genetics
Classification: Likely benign. Last evaluated: 2024-09-09. Review status: criteria provided, single submitter. Criteria: ACMG Guidelines, 2015. Collection method: clinical testing. Allele origin: germline.

PreventionGenetics, part of Exact Sciences
Classification: Likely benign for CEP250-related condition. Last evaluated: 2020-12-16. Review status: no assertion criteria provided. Collection method: clinical testing. Allele origin: germline. Not counted in ClinVar's aggregate classification.
Comment: This variant is classified as likely benign based on ACMG/AMP sequence variant interpretation guidelines (Richards et al. 2015 PMID: 25741868, with internal and published modifications).

NM_007186.6(CEP250):c.3402G>A (p.Thr1134=)

Gene: CEP250 (centrosomal protein 250; plus strand). Cytogenetic location: 20q11.22.
Variant type: single nucleotide variant.
Coding change: c.3402G>A on transcript NM_007186.6 (MANE Select); coding-DNA position 3402, G replaced by A.
Protein change: p.Thr1134=; no amino-acid change (threonine 1134 retained).
Molecular consequence: synonymous variant.
Genome position (GRCh38, 1-based): chr20:35,497,814, G>A. VCF-style: chr20-35497814-G-A. GRCh37 (hg19) VCF-style: chr20-34085643-G-A.
Other names: c.3402G>A (NM_007186.5); c.1506G>A, p.Thr502= (NM_001318219.1).
Identifiers: ClinVar variation 1169244 (VCV001169244.16), dbSNP rs140984394, ClinGen allele CA9833465.